The following is an entry in ClinVar:

NM_018699.4(PRDM5):c.815G>C (p.Arg272Thr)

Gene: PRDM5 (PR/SET domain 5; minus strand). Cytogenetic location: 4q27.
Variant type: single nucleotide variant.
Coding change: c.815G>C on transcript NM_018699.4 (MANE Select); coding-DNA position 815, G replaced by C.
Protein change: p.Arg272Thr; replaces arginine 272 with threonine.
Molecular consequence: missense variant.
Genome position (GRCh38, 1-based): chr4:120,816,503, C>G on the plus strand (G>C on the coding strand, the complement: PRDM5 is on the minus strand). VCF-style: chr4-120816503-C-G. GRCh37 (hg19) VCF-style: chr4-121737658-C-G.
Other names: c.722G>C, p.Arg241Thr (NM_001300823.2, NM_001300824.2, NM_001379106.1); c.815G>C, p.Arg272Thr (NM_001379104.1); short protein forms R272T, R241T.
Identifiers: ClinVar variation 1762221 (VCV001762221.2), dbSNP rs2477940329, ClinGen allele CA358207484.

ClinVar aggregate classification (germline): Uncertain significance (1 of 4 stars; one submission).

Conditions:
Cardiovascular phenotype. Identifiers: MedGen CN230736.

gnomAD v4.1: 2 of 1,614,182 alleles (0.00012%); highest among the groups gnomAD compares: Non-Finnish European, 0.00017%; no homozygotes.

Submission:

Ambry Genetics
Classification: Uncertain significance for Cardiovascular phenotype. Last evaluated: 2021-12-07. Review status: criteria provided, single submitter. Criteria: Ambry Variant Classification Scheme 2023. Collection method: clinical testing. Allele origin: germline.
Comment: The p.R272T variant (also known as c.815G>C), located in coding exon 7 of the PRDM5 gene, results from a G to C substitution at nucleotide position 815. The arginine at codon 272 is replaced by threonine, an amino acid with similar properties. This amino acid position is conserved. In addition, this alteration is predicted to be tolerated by in silico analysis. Since supporting evidence is limited at this time, the clinical significance of this alteration remains unclear.